The following is an entry in ClinVar:

ClinVar aggregate classification (germline): Uncertain significance. Review status: criteria provided, multiple submitters, no conflicts (2 of 4 stars). 4 submissions from 4 submitters: Uncertain significance (2). 2 of the submissions do not count toward it. Last evaluated 2025-10-13.

Conditions:
Inborn genetic diseases. Identifiers: MedGen C0950123, MeSH D030342.
RTEL1-related disorder. Also called: RTEL1-related disorders; RTEL1-related condition.
Dyskeratosis congenita, autosomal recessive 5 (DKCB5). Identifiers: MedGen C3554656, MONDO:0014076, OMIM 615190.
Pulmonary fibrosis and/or bone marrow failure, Telomere-related, 3. Also called: PULMONARY FIBROSIS AND/OR BONE MARROW FAILURE SYNDROME, TELOMERE-RELATED, 3. Identifiers: Orphanet 2032, MedGen C4225346, MONDO:0014613, OMIM 616373.
Dyskeratosis congenita. Identifiers: Orphanet 1775, MedGen C0265965, MONDO:0015780.

Allele frequency attached by ClinVar (database versions not stated): ExAC 0.00003; gnomAD 0.00003 and 0.00004; TOPMed 0.00004.
gnomAD v4.1: 35 of 1,612,688 alleles (0.0022%); highest among the groups gnomAD compares: Middle Eastern, 0.033%; no homozygotes.

Submissions (4):

Labcorp Genetics (formerly Invitae), Labcorp
Classification: Uncertain significance for Dyskeratosis congenita, autosomal recessive 5; Pulmonary fibrosis and/or bone marrow failure, Telomere-related, 3. Last evaluated: 2025-10-13. Review status: criteria provided, single submitter. Criteria: Invitae Variant Classification Sherloc (09022015). Collection method: clinical testing. Allele origin: germline.
Comment: This sequence change replaces aspartic acid, which is acidic and polar, with asparagine, which is neutral and polar, at codon 330 of the RTEL1 protein (p.Asp330Asn). This variant is present in population databases (rs753838163, gnomAD 0.003%). This variant has not been reported in the literature in individuals affected with RTEL1-related conditions. ClinVar contains an entry for this variant (Variation ID: 846532). An algorithm developed to predict the effect of missense changes on protein structure and function (PolyPhen-2) suggests that this variant is likely to be disruptive. In summary, the available evidence is currently insufficient to determine the role of this variant in disease. Therefore, it has been classified as a Variant of Uncertain Significance.

Ambry Genetics
Classification: Uncertain significance for Inborn genetic diseases. Last evaluated: 2025-08-30. Review status: criteria provided, single submitter. Criteria: Ambry Variant Classification Scheme 2023. Collection method: clinical testing. Allele origin: germline.

PreventionGenetics, part of Exact Sciences
Classification: Uncertain significance for RTEL1-related condition. Last evaluated: 2024-04-18. Review status: no assertion criteria provided. Collection method: clinical testing. Allele origin: germline. Not counted in ClinVar's aggregate classification.
Comment: The RTEL1 c.1060G>A variant is predicted to result in the amino acid substitution p.Asp354Asn. To our knowledge, this variant has not been reported in the literature. This variant is reported in 0.0033% of alleles in individuals of South Asian descent in gnomAD. At this time, the clinical significance of this variant is uncertain due to the absence of conclusive functional and genetic evidence.

Natera, Inc.
Classification: Uncertain significance for Dyskeratosis congenita. Last evaluated: 2020-09-16. Review status: no assertion criteria provided. Collection method: clinical testing. Allele origin: germline. Not counted in ClinVar's aggregate classification.

NM_001283009.2(RTEL1):c.988G>A (p.Asp330Asn)

Genes: RTEL1 (regulator of telomere elongation helicase 1; plus strand), RTEL1-TNFRSF6B (RTEL1-TNFRSF6B readthrough (NMD candidate); plus strand). Cytogenetic location: 20q13.33.
Variant type: single nucleotide variant.
Coding change: c.988G>A on transcript NM_001283009.2 (MANE Select); coding-DNA position 988, G replaced by A.
Protein change: p.Asp330Asn; replaces aspartic acid 330 with asparagine.
Molecular consequence: missense variant. On other transcripts: non-coding transcript variant (1).
Genome position (GRCh38, 1-based): chr20:63,678,297, G>A. VCF-style: chr20-63678297-G-A. GRCh37 (hg19) VCF-style: chr20-62309650-G-A.
Other names: c.319G>A, p.Asp107Asn (NM_001283010.1); c.988G>A, p.Asp330Asn (NM_016434.4); c.1060G>A, p.Asp354Asn (NM_032957.5); short protein forms D354N, D107N, D330N.
Identifiers: ClinVar variation 846532 (VCV000846532.8), dbSNP rs753838163, ClinGen allele CA9964553.